The following is an entry in ClinVar:

ClinVar aggregate classification (germline): Uncertain significance (1 of 4 stars; one submission).

Conditions:
Peroxisome biogenesis disorder 12A (Zellweger). Also called: Peroxisome biogenesis disorder 12A. Identifiers: Orphanet 912, MedGen C3554002, MONDO:0013951, OMIM 614886.

gnomAD v4.1: 1 of 1,614,012 alleles (0.000062%); highest among the groups gnomAD compares: Admixed American, 0.0017%; no homozygotes.

Submission:

Labcorp Genetics (formerly Invitae), Labcorp
Classification: Uncertain significance for Peroxisome biogenesis disorder 12A (Zellweger). Last evaluated: 2022-07-19. Review status: criteria provided, single submitter. Criteria: Invitae Variant Classification Sherloc (09022015). Collection method: clinical testing. Allele origin: germline.
Comment: In summary, the available evidence is currently insufficient to determine the role of this variant in disease. Therefore, it has been classified as a Variant of Uncertain Significance. Algorithms developed to predict the effect of missense changes on protein structure and function (SIFT, PolyPhen-2, Align-GVGD) all suggest that this variant is likely to be tolerated. ClinVar contains an entry for this variant (Variation ID: 1503374). This variant has not been reported in the literature in individuals affected with PEX19-related conditions. This variant is not present in population databases (gnomAD no frequency). This sequence change replaces alanine, which is neutral and non-polar, with glutamic acid, which is acidic and polar, at codon 85 of the PEX19 protein (p.Ala85Glu).

NM_002857.4(PEX19):c.254C>A (p.Ala85Glu)

Gene: PEX19 (peroxisomal biogenesis factor 19; minus strand). Cytogenetic location: 1q23.2.
Variant type: single nucleotide variant.
Coding change: c.254C>A on transcript NM_002857.4 (MANE Select); coding-DNA position 254, C replaced by A.
Protein change: p.Ala85Glu; replaces alanine 85 with glutamic acid.
Molecular consequence: missense variant. On other transcripts: non-coding transcript variant (2).
Genome position (GRCh38, 1-based): chr1:160,283,036, G>T on the plus strand (C>A on the coding strand, the complement: PEX19 is on the minus strand). VCF-style: chr1-160283036-G-T. GRCh37 (hg19) VCF-style: chr1-160252826-G-T.
Other names: c.254C>A, p.Ala85Glu (NM_001193644.1); short protein forms A85E.
Identifiers: ClinVar variation 1503374 (VCV001503374.8), dbSNP rs11550119, ClinGen allele CA343263329.